The following is an entry in ClinVar:

NM_001204.7(BMPR2):c.2418G>T (p.Met806Ile)

Gene: BMPR2 (bone morphogenetic protein receptor type 2; plus strand). Cytogenetic location: 2q33.2.
Variant type: single nucleotide variant.
Coding change: c.2418G>T on transcript NM_001204.7 (MANE Select); coding-DNA position 2418, G replaced by T.
Protein change: p.Met806Ile; replaces methionine 806 with isoleucine.
Molecular consequence: missense variant.
Genome position (GRCh38, 1-based): chr2:202,556,083, G>T. VCF-style: chr2-202556083-G-T. GRCh37 (hg19) VCF-style: chr2-203420806-G-T.
Other names: short protein forms M806I.
Identifiers: ClinVar variation 2284057 (VCV002284057.3), dbSNP rs150020118, ClinGen allele CA350348531.
Genomic context (GRCh38, chr2:202,556,083, plus strand): 5'-TGGAGTTGCCAAGATGAATACAATCAATGCAGCAGAACCTCATGTGGTGACAGTCACCAT[G>T]AATGGTGTGGCAGGTAGAAACCACAGTGTTAACTCCCATGCTGCCACAACCCAATATGCC-3'
Protein context (NP_001195.2, residues 796-816): AAEPHVVTVT[Met806Ile]NGVAGRNHSV

ClinVar aggregate classification (germline): Uncertain significance (1 of 4 stars; one submission).

Conditions:
Inborn genetic diseases. Identifiers: MedGen C0950123, MeSH D030342.

Allele frequency attached by ClinVar (database versions not stated): TOPMed below 0.00001; gnomAD 0.00001.
gnomAD v4.1: 1 of 1,614,076 alleles (0.000062%); highest among the groups gnomAD compares: Non-Finnish European, 0.000085%; no homozygotes.

Submission:

Ambry Genetics
Classification: Uncertain significance for Inborn genetic diseases. Last evaluated: 2025-03-24. Review status: criteria provided, single submitter. Criteria: Ambry Variant Classification Scheme 2023. Collection method: clinical testing. Allele origin: germline.
Comment: The p.M806I variant (also known as c.2418G>T), located in coding exon 12 of the BMPR2 gene, results from a G to T substitution at nucleotide position 2418. The methionine at codon 806 is replaced by isoleucine, an amino acid with highly similar properties. This amino acid position is conserved. In addition, the in silico prediction for this alteration is inconclusive. Based on the available evidence, the clinical significance of this variant remains unclear.